The following is an entry in ClinVar:

ClinVar aggregate classification (germline): Likely pathogenic (1 of 4 stars; one submission).

Conditions:
Ehlers-Danlos syndrome, type 4 (EDSVASC). Also called: Ehlers-Danlos syndrome vascular type; Ehlers Danlos syndrome, ecchymotic type; Ehlers Danlos syndrome, arterial type; Ehlers Danlos syndrome, Sack-Barabas type; Ehlers-Danlos Syndrome Type IV. Identifiers: Orphanet 286, MedGen C0268338, MONDO:0017314, OMIM 130050.

Submission:

Department of Clinical Genetics, Aarhus University Hospital
Classification: Likely pathogenic for Ehlers-Danlos syndrome, type 4. Review status: criteria provided, single submitter. Criteria: ACMG Guidelines, 2015. Collection method: clinical testing. Allele origin: unknown. Affected: yes.
Comment: The variant is not seen in gnomAD v4.1. Computational tools (REVEL) predicts the variant as pathogenic. This variant disrupts the triple helix domain of COL3A1. Other Gly substitutions affecting the same codon has been reported. According to the ACMG guidelines, this variant is interpreted as likely pathogenic (PM1_strong, PP3_mod, PM2_sup, PP2).

NM_000090.4(COL3A1):c.1825G>A (p.Gly609Arg)

Gene: COL3A1 (collagen type III alpha 1 chain; plus strand). Cytogenetic location: 2q32.2.
Variant type: single nucleotide variant.
Coding change: c.1825G>A on transcript NM_000090.4 (MANE Select); coding-DNA position 1825, G replaced by A.
Protein change: p.Gly609Arg; replaces glycine 609 with arginine.
Molecular consequence: missense variant.
Genome position (GRCh38, 1-based): chr2:188,997,345, G>A. VCF-style: chr2-188997345-G-A. GRCh37 (hg19) VCF-style: chr2-189862071-G-A.
Other names: short protein forms G609R.
Identifiers: ClinVar variation 4857863 (VCV004857863.1).